The following is an entry in ClinVar:

ClinVar aggregate classification (germline): Uncertain significance. Review status: criteria provided, multiple submitters, no conflicts (2 of 4 stars). 8 submissions from 8 submitters: Uncertain significance (6). 2 of the submissions do not count toward it. Last evaluated 2026-04-24.

Conditions:
Hereditary cancer-predisposing syndrome. Also called: Neoplastic Syndromes, Hereditary; Hereditary Cancer Syndrome; Tumor predisposition; Hereditary neoplastic syndrome. Identifiers: Orphanet 140162, MedGen C0027672, MeSH D009386, MONDO:0015356.
Ataxia-telangiectasia syndrome (AT). Also called: LOUIS-BAR SYNDROME; Ataxia-telangiectasia, complementation group D; AT, COMPLEMENTATION GROUP C; Ataxia-telangiectasia, complementation group E; Ataxia telangiectasia (A-T); Cerebello-oculocutaneous telangiectasia. Identifiers: Orphanet 100, MedGen C0004135, MONDO:0008840, OMIM 208900.
Familial cancer of breast. Also called: hereditary breast carcinoma; Hereditary breast cancer; BREAST CANCER, FAMILIAL. Identifiers: Orphanet 227535, MedGen C0346153, MONDO:0016419, OMIM 114480. Disease mechanism: loss of function.

Allele frequency attached by ClinVar (database versions not stated): TOPMed below 0.00001; gnomAD 0.00001; gnomAD exomes 0.00001.
gnomAD v4.1: 5 of 1,613,720 alleles (0.00031%); highest among the groups gnomAD compares: Non-Finnish European, 0.00042%; no homozygotes.

Submissions (8):

Department of Clinical Genetics, Copenhagen University Hospital, Rigshospitalet
Classification: Uncertain significance for Familial cancer of breast; Ataxia-telangiectasia syndrome. Last evaluated: 2026-04-24. Review status: criteria provided, single submitter. Criteria: ACMG Guidelines, 2015. Collection method: clinical testing. Allele origin: germline.
Comment: The following ACMG criteria has been used: PM2_SUP (FAF 0.0001240%). Functional analysis indicates that the variant does not affect ATM function (PMID: 40580951)

Center for Genomic Medicine, Rigshospitalet, Copenhagen University Hospital
Classification: Uncertain significance. Last evaluated: 2025-12-29. Review status: criteria provided, single submitter. Criteria: ACMG Guidelines, 2015. Collection method: clinical testing. Allele origin: germline.
Comment: Classification criteria: PM2_Supporting

Ambry Genetics
Classification: Uncertain significance for Hereditary cancer-predisposing syndrome. Last evaluated: 2025-09-27. Review status: criteria provided, single submitter. Criteria: Ambry Variant Classification Scheme 2023. Collection method: clinical testing. Allele origin: germline.
Comment: The p.L1111P variant (also known as c.3332T>C), located in coding exon 22 of the ATM gene, results from a T to C substitution at nucleotide position 3332. The leucine at codon 1111 is replaced by proline, an amino acid with similar properties. This amino acid position is well conserved in available vertebrate species. In addition, the in silico prediction for this alteration is inconclusive. Since supporting evidence is limited at this time, the clinical significance of this alteration remains unclear.

GeneDx
Classification: Uncertain significance. Last evaluated: 2023-12-18. Review status: criteria provided, single submitter. Criteria: GeneDx Variant Classification Process June 2021. Collection method: clinical testing. Allele origin: germline. Affected: yes.
Comment: Not observed at significant frequency in large population cohorts (gnomAD); In silico analysis supports that this missense variant has a deleterious effect on protein structure/function; Has not been previously published as pathogenic or benign to our knowledge; This variant is associated with the following publications: (PMID: 19781682)

Labcorp Genetics (formerly Invitae), Labcorp
Classification: Uncertain significance for Ataxia-telangiectasia syndrome. Last evaluated: 2022-07-22. Review status: criteria provided, single submitter. Criteria: Invitae Variant Classification Sherloc (09022015). Collection method: clinical testing. Allele origin: germline.
Comment: This sequence change replaces leucine, which is neutral and non-polar, with proline, which is neutral and non-polar, at codon 1111 of the ATM protein (p.Leu1111Pro). This variant is not present in population databases (gnomAD no frequency). This variant has not been reported in the literature in individuals affected with ATM-related conditions. ClinVar contains an entry for this variant (Variation ID: 230062). Advanced modeling of protein sequence and biophysical properties (such as structural, functional, and spatial information, amino acid conservation, physicochemical variation, residue mobility, and thermodynamic stability) performed at Invitae indicates that this missense variant is not expected to disrupt ATM protein function. In summary, the available evidence is currently insufficient to determine the role of this variant in disease. Therefore, it has been classified as a Variant of Uncertain Significance.

Blueprint Genetics
Classification: Uncertain significance. Last evaluated: 2020-07-15. Review status: criteria provided, single submitter. Criteria: ACMG Guidelines, 2015. Collection method: clinical testing. Allele origin: germline.

Clinical Genetics DNA and cytogenetics Diagnostics Lab, Erasmus MC, Erasmus Medical Center
Classification: Uncertain significance. Review status: no assertion criteria provided. Collection method: clinical testing. Allele origin: germline. Affected: yes. Study: VKGL Data-share Consensus. Not counted in ClinVar's aggregate classification.

Diagnostic Laboratory, Department of Genetics, University Medical Center Groningen
Classification: Uncertain significance. Review status: no assertion criteria provided. Collection method: clinical testing. Allele origin: germline. Affected: yes. Study: VKGL Data-share Consensus. Not counted in ClinVar's aggregate classification.

Literature cited by the submitters: PubMed 40580951 (cited by Department of Clinical Genetics, Copenhagen University Hospital, Rigshospitalet).

NM_000051.4(ATM):c.3332T>C (p.Leu1111Pro)

Gene: ATM (ATM serine/threonine kinase; plus strand). Cytogenetic location: 11q22.3.
Variant type: single nucleotide variant.
Coding change: c.3332T>C on transcript NM_000051.4 (MANE Select); coding-DNA position 3332, T replaced by C.
Protein change: p.Leu1111Pro; replaces leucine 1111 with proline.
Molecular consequence: missense variant.
Genome position (GRCh38, 1-based): chr11:108,279,538, T>C. VCF-style: chr11-108279538-T-C. GRCh37 (hg19) VCF-style: chr11-108150265-T-C.
Other names: c.3332T>C, p.Leu1111Pro (NM_001351834.2); short protein forms L1111P.
Identifiers: ClinVar variation 230062 (VCV000230062.22), dbSNP rs876658363, ClinGen allele CA10579096.